The following is an entry in ClinVar:

ClinVar aggregate classification (germline): Uncertain significance (1 of 4 stars; one submission).

Conditions:
Ellis-van Creveld syndrome (EVC). Also called: Chondroectodermal dysplasia; EVC-Related Ellis-van Creveld Syndrome; EVC2-Related Ellis-van Creveld Syndrome; MESOECTODERMAL DYSPLASIA. Identifiers: Orphanet 289, MedGen C0013903, MONDO:0009162, OMIM 225500.
Curry-Hall syndrome (WAD). Also called: WEYERS ACRODENTAL DYSOSTOSIS. Identifiers: Orphanet 952, MedGen C0457013, MONDO:0008673, OMIM 193530.

Allele frequency attached by ClinVar (database versions not stated): gnomAD 0.00001; gnomAD exomes below 0.00001; TOPMed below 0.00001.
gnomAD v4.1: 4 of 1,614,064 alleles (0.00025%); highest among the groups gnomAD compares: African/African-American, 0.0053%; no homozygotes.

Submission:

Labcorp Genetics (formerly Invitae), Labcorp
Classification: Uncertain significance for Curry-Hall syndrome; Ellis-van Creveld syndrome. Last evaluated: 2022-07-25. Review status: criteria provided, single submitter. Criteria: Invitae Variant Classification Sherloc (09022015). Collection method: clinical testing. Allele origin: germline.
Comment: This sequence change falls in intron 9 of the EVC gene. It does not directly change the encoded amino acid sequence of the EVC protein. This variant is not present in population databases (gnomAD no frequency). This variant has not been reported in the literature in individuals affected with EVC-related conditions. ClinVar contains an entry for this variant (Variation ID: 1369993). Algorithms developed to predict the effect of sequence changes on RNA splicing suggest that this variant may create or strengthen a splice site. In summary, the available evidence is currently insufficient to determine the role of this variant in disease. Therefore, it has been classified as a Variant of Uncertain Significance.

NM_153717.3(EVC):c.1316-10T>A

Gene: EVC (EvC ciliary complex subunit 1; plus strand). Cytogenetic location: 4p16.2.
Variant type: single nucleotide variant.
Coding change: c.1316-10T>A on transcript NM_153717.3 (MANE Select); 10 bases into the intron before coding-DNA position 1316, T replaced by A.
Molecular consequence: intron variant.
Genome position (GRCh38, 1-based): chr4:5,753,775, T>A. VCF-style: chr4-5753775-T-A. GRCh37 (hg19) VCF-style: chr4-5755502-T-A.
Other names: c.1316-10T>A (NM_001306090.2, NM_001306092.2).
Identifiers: ClinVar variation 1369993 (VCV001369993.6), dbSNP rs1730755993, ClinGen allele CA1058835519.